The following is an entry in ClinVar:

ClinVar aggregate classification (germline): Uncertain significance (1 of 4 stars; one submission).

Conditions:
Dilated cardiomyopathy 1AA (CMD1AA). Also called: Cardiomyopathy, dilated, 1AA, with or without LVNC; CARDIOMYOPATHY, DILATED, 1AA, WITH OR WITHOUT LEFT VENTRICULAR NONCOMPACTION; CARDIOMYOPATHY, FAMILIAL HYPERTROPHIC, 23, WITH OR WITHOUT LEFT VENTRICULAR NONCOMPACTION. Identifiers: Orphanet 154, MedGen C2677338, MONDO:0012808, OMIM 612158.
Primary familial hypertrophic cardiomyopathy (HCM). Identifiers: Orphanet 99739, MedGen C0949658, MeSH D024741, MONDO:0024573. Inheritance: Various modes of inheritance.

Submission:

Labcorp Genetics (formerly Invitae), Labcorp
Classification: Uncertain significance for Primary familial hypertrophic cardiomyopathy; Dilated cardiomyopathy 1AA. Last evaluated: 2021-08-15. Review status: criteria provided, single submitter. Criteria: Invitae Variant Classification Sherloc (09022015). Collection method: clinical testing. Allele origin: germline.
Comment: This sequence change replaces leucine with valine at codon 511 of the ACTN2 protein (p.Leu511Val). The leucine residue is highly conserved and there is a small physicochemical difference between leucine and valine. This variant is not present in population databases (ExAC no frequency). This missense change has been observed in individual(s) with hypertrophic cardiomyopathy (Invitae). Advanced modeling of protein sequence and biophysical properties (such as structural, functional, and spatial information, amino acid conservation, physicochemical variation, residue mobility, and thermodynamic stability) performed at Invitae indicates that this missense variant is not expected to disrupt ACTN2 protein function. In summary, the available evidence is currently insufficient to determine the role of this variant in disease. Therefore, it has been classified as a Variant of Uncertain Significance.

NM_001103.4(ACTN2):c.1531C>G (p.Leu511Val)

Gene: ACTN2 (actinin alpha 2; plus strand). Cytogenetic location: 1q43.
Variant type: single nucleotide variant.
Coding change: c.1531C>G on transcript NM_001103.4 (MANE Select); coding-DNA position 1531, C replaced by G.
Protein change: p.Leu511Val; replaces leucine 511 with valine.
Molecular consequence: missense variant.
Genome position (GRCh38, 1-based): chr1:236,749,139, C>G. VCF-style: chr1-236749139-C-G. GRCh37 (hg19) VCF-style: chr1-236912439-C-G.
Other names: c.1531C>G, p.Leu511Val (NM_001278343.2); c.907C>G, p.Leu303Val (NM_001278344.2); short protein forms L303V, L511V.
Identifiers: ClinVar variation 1515359 (VCV001515359.6), dbSNP rs2102936333, ClinGen allele CA345384656.